The following is an entry in ClinVar:

ClinVar aggregate classification (germline): Uncertain significance (1 of 4 stars; one submission).

Submission:

Dasa
Classification: Uncertain significance. Last evaluated: 2025-07-15. Review status: criteria provided, single submitter. Criteria: DASA Assertion Criteria. Collection method: clinical testing. Allele origin: germline.
Comment: NM_001165963.4(SCN1A):c.282T>A (p.Asn94Lys) is a missense variant that results in the substitution of asparagine with lysine. The affected residue or protein region has prior evidence supporting clinical relevance. This variant is rare in population databases. Computational prediction algorithms are consistent with a deleterious effect. The currently available literature and clinical evidence are not sufficient to establish a definitive association between this variant and the reported condition. Therefore, this variant is classified as a variant of uncertain significance.

NM_001165963.4(SCN1A):c.282T>A (p.Asn94Lys)

Gene: SCN1A (sodium voltage-gated channel alpha subunit 1; minus strand). Cytogenetic location: 2q24.3.
Variant type: single nucleotide variant.
Coding change: c.282T>A on transcript NM_001165963.4 (MANE Select); coding-DNA position 282, T replaced by A.
Protein change: p.Asn94Lys; replaces asparagine 94 with lysine.
Molecular consequence: missense variant. On other transcripts: non-coding transcript variant (1), 5 prime UTR variant (1).
Genome position (GRCh38, 1-based): chr2:166,058,671, A>T on the plus strand (T>A on the coding strand, the complement: SCN1A is on the minus strand). VCF-style: chr2-166058671-A-T. GRCh37 (hg19) VCF-style: chr2-166915181-A-T.
Other names: c.282T>A, p.Asn94Lys (NM_001165964.3, NM_001202435.3, NM_001353948.2 and 10 more transcripts); c.-2144T>A (NM_001353961.2); short protein forms N94K.
Identifiers: ClinVar variation 4881895 (VCV004881895.2).